The following is an entry in ClinVar:

NM_001127222.2(CACNA1A):c.7144G>T (p.Ala2382Ser)

Gene: CACNA1A (calcium voltage-gated channel subunit alpha1 A; minus strand). Cytogenetic location: 19p13.13.
Variant type: single nucleotide variant.
Coding change: c.7144G>T on transcript NM_001127222.2 (MANE Select); coding-DNA position 7144, G replaced by T.
Protein change: p.Ala2382Ser; replaces alanine 2382 with serine.
Molecular consequence: missense variant. On other transcripts: 3 prime UTR variant (3).
Genome position (GRCh38, 1-based): chr19:13,207,690, C>A on the plus strand (G>T on the coding strand, the complement: CACNA1A is on the minus strand). VCF-style: chr19-13207690-C-A. GRCh37 (hg19) VCF-style: chr19-13318504-C-A.
Other names: c.*356G>T (NM_000068.4, NM_001127221.2, NM_001174080.2); c.7162G>T, p.Ala2388Ser (NM_023035.3); c.7144G>T (NM_001127222.1); short protein forms A2382S, A2388S.
Identifiers: ClinVar variation 1694893 (VCV001694893.33), dbSNP rs763992341, ClinGen allele CA9239211.

ClinVar aggregate classification (germline): Uncertain significance. Review status: criteria provided, multiple submitters, no conflicts (2 of 4 stars). 3 submissions from 3 submitters: Uncertain significance (3). Last evaluated 2024-11-25.

Conditions:
Inborn genetic diseases. Identifiers: MedGen C0950123, MeSH D030342.

Allele frequency attached by ClinVar (database versions not stated): TOPMed 0.00002; gnomAD exomes 0.00003 and 0.00005; gnomAD 0.00004; ExAC 0.00025.
gnomAD v4.1: 42 of 1,394,756 alleles (0.003%); highest among the groups gnomAD compares: Non-Finnish European, 0.0036%; no homozygotes.

Submissions (3):

Blueprint Genetics
Classification: Uncertain significance. Last evaluated: 2024-11-25. Review status: criteria provided, single submitter. Criteria: ACMG Guidelines, 2015. Collection method: clinical testing. Allele origin: germline.

Ambry Genetics
Classification: Uncertain significance for Inborn genetic diseases. Last evaluated: 2024-07-10. Review status: criteria provided, single submitter. Criteria: Ambry Variant Classification Scheme 2023. Collection method: clinical testing. Allele origin: germline.

CeGaT Center for Human Genetics Tuebingen
Classification: Uncertain significance. Last evaluated: 2022-05-01. Review status: criteria provided, single submitter. Criteria: CeGaT Center For Human Genetics Tuebingen Variant Classification Criteria Version 2. Collection method: clinical testing. Allele origin: germline. Affected: yes. Observed: 1 variant allele.
Comment: CACNA1A: PP2, PP3